The following is an entry in ClinVar:

NM_001127222.2(CACNA1A):c.5732-197G>A

Gene: CACNA1A (calcium voltage-gated channel subunit alpha1 A; minus strand). Cytogenetic location: 19p13.13.
Variant type: single nucleotide variant.
Coding change: c.5732-197G>A on transcript NM_001127222.2 (MANE Select); 197 bases into the intron before coding-DNA position 5732, G replaced by A.
Molecular consequence: intron variant.
Genome position (GRCh38, 1-based): chr19:13,214,805, C>T on the plus strand (G>A on the coding strand, the complement: CACNA1A is on the minus strand). VCF-style: chr19-13214805-C-T. GRCh37 (hg19) VCF-style: chr19-13325619-C-T.
Other names: c.5735-197G>A (NM_001127221.2); c.5741-197G>A (NM_001174080.2); c.5750-197G>A (NM_000068.4, NM_023035.3).
Identifiers: ClinVar variation 677501 (VCV000677501.1), dbSNP rs138057423, ClinGen allele CA305552738.

ClinVar aggregate classification (germline): Likely benign (1 of 4 stars; one submission).

Allele frequency attached by ClinVar (database versions not stated): gnomAD exomes 0.00071; gnomAD 0.00547 and 0.00579; TOPMed 0.00597; 1000 Genomes Project 0.00679; 1000 Genomes Project 30x 0.00765.
gnomAD v4.1: 1,162 of 594,648 alleles (0.2%); highest among the groups gnomAD compares: African/African-American, 1.8%; 15 homozygotes.

Submission:

GeneDx
Classification: Likely benign. Last evaluated: 2018-06-14. Review status: criteria provided, single submitter. Criteria: GeneDx Variant Classification (06012015). Collection method: clinical testing. Allele origin: germline. Affected: yes.
Comment: This variant is considered likely benign or benign based on one or more of the following criteria: it is a conservative change, it occurs at a poorly conserved position in the protein, it is predicted to be benign by multiple in silico algorithms, and/or has population frequency not consistent with disease.